The following is an entry in ClinVar:

ClinVar aggregate classification (germline): Pathogenic (1 of 4 stars; one submission).

Conditions:
Creatine transporter deficiency (CCDS1). Also called: CEREBRAL CREATINE DEFICIENCY SYNDROME 1; Mental retardation , X-linked with seizures, short stature and midface hypoplasia; Mental retardation , X-linked, with creatine transport deficiency; X-linked creatine transporter deficiency; X-linked creatine deficiency syndrome; SLC6A8-Related Creatine Transporter Deficiency. Identifiers: Orphanet 52503, MedGen C1845862, MONDO:0010305, OMIM 300352.

Submission:

Labcorp Genetics (formerly Invitae), Labcorp
Classification: Pathogenic for Creatine transporter deficiency. Last evaluated: 2020-07-29. Review status: criteria provided, single submitter. Criteria: Invitae Variant Classification Sherloc (09022015). Collection method: clinical testing. Allele origin: germline.
Comment: For these reasons, this variant has been classified as Pathogenic. Loss-of-function variants in SLC6A8 are known to be pathogenic (PMID: 22281021). This variant has not been reported in the literature in individuals with SLC6A8-related conditions. This variant is not present in population databases (ExAC no frequency). This sequence change creates a premature translational stop signal (p.Trp518Glyfs*2) in the SLC6A8 gene. It is expected to result in an absent or disrupted protein product.

Literature cited by the submitters: PubMed 22281021.

NM_005629.4(SLC6A8):c.1551del (p.Trp518fs)

Gene: SLC6A8 (solute carrier family 6 member 8; plus strand). Cytogenetic location: Xq28.
Variant type: Deletion.
Coding change: c.1551del on transcript NM_005629.4 (MANE Select); coding-DNA position 1551, one base deleted (C; older notation c.1551delC).
Protein change: p.Trp518fs; shifts the reading frame from tryptophan 518.
Molecular consequence: frameshift variant.
Genome position (GRCh38, 1-based): chrX:153,694,588, C deleted; the last of 4 consecutive C bases (chrX:153,694,585-153,694,588); deleting any one gives the same sequence. VCF-style (leftmost placement, unchanged base first): chrX-153694584-GC-G. GRCh37 (hg19) VCF-style: chrX-152960039-GC-G.
Other names: c.1521del, p.Trp508fs (NM_001142805.2); c.1206del, p.Trp403fs (NM_001142806.1); short protein forms W403fs, W508fs, W518fs.
Identifiers: ClinVar variation 1070967 (VCV001070967.7), dbSNP rs2148364489, ClinGen allele CA2499226441.